The following is an entry in ClinVar:

ClinVar aggregate classification (germline): Uncertain significance. Review status: criteria provided, multiple submitters, no conflicts (2 of 4 stars). 5 submissions from 5 submitters: Uncertain significance (5). Last evaluated 2026-09-14.

Conditions:
OTOA-related disorder. Also called: OTOA-related condition.

Allele frequency attached by ClinVar (database versions not stated): gnomAD exomes 0.00001; gnomAD 0.00007 and 0.00008; TOPMed 0.00009.
gnomAD v4.1: 56 of 1,613,900 alleles (0.0035%); highest among the groups gnomAD compares: African/African-American, 0.0093%; no homozygotes.

Submissions (5):

PreventionGenetics, part of Exact Sciences
Classification: Uncertain significance for OTOA-related condition. Last evaluated: 2026-09-14. Review status: criteria provided, single submitter. Criteria: ACMG Guidelines, 2015. Collection method: clinical testing. Allele origin: germline.
Comment: The OTOA c.446C>A variant is predicted to result in the amino acid substitution p.Ala149Asp. This variant was reported in trans to a whole gene deletion in an individual with non-syndromic hearing loss (described as p.Ala149Asp, Table S2, Shearer et al. 2014. PubMed ID: 24963352). This variant is reported in 0.012% of alleles in individuals of African descent in gnomAD. Although we suspect that this variant may be pathogenic, at this time, the clinical significance of this variant is uncertain due to the absence of conclusive functional and genetic evidence.

Labcorp Genetics (formerly Invitae), Labcorp
Classification: Uncertain significance. Last evaluated: 2025-10-13. Review status: criteria provided, single submitter. Criteria: Invitae Variant Classification Sherloc (09022015). Collection method: clinical testing. Allele origin: germline.
Comment: This sequence change replaces alanine, which is neutral and non-polar, with aspartic acid, which is acidic and polar, at codon 149 of the OTOA protein (p.Ala149Asp). This variant is present in population databases (rs113820086, gnomAD 0.01%). This missense change has been observed in individual(s) with deafness (PMID: 24963352). ClinVar contains an entry for this variant (Variation ID: 666889). An algorithm developed to predict the effect of missense changes on protein structure and function (PolyPhen-2) suggests that this variant is likely to be disruptive. In summary, the available evidence is currently insufficient to determine the role of this variant in disease. Therefore, it has been classified as a Variant of Uncertain Significance.

GeneDx
Classification: Uncertain significance. Last evaluated: 2025-08-07. Review status: criteria provided, single submitter. Criteria: GeneDx Variant Classification Process June 2021. Collection method: clinical testing. Allele origin: germline. Affected: yes.
Comment: In silico analysis suggests that this missense variant does not alter protein structure/function; This variant is associated with the following publications: (PMID: 24963352)

Women's Health and Genetics/Laboratory Corporation of America, LabCorp
Classification: Uncertain significance. Last evaluated: 2024-07-24. Review status: criteria provided, single submitter. Criteria: LabCorp Variant Classification Summary - May 2015. Collection method: clinical testing. Allele origin: germline.
Comment: Variant summary: OTOA c.446C>A (p.Ala149Asp) results in a non-conservative amino acid change in the encoded protein sequence. Three of five in-silico tools predict a damaging effect of the variant on protein function. The variant allele was found at a frequency of 1.2e-05 in 251442 control chromosomes. The available data on variant occurrences in the general population are insufficient to allow any conclusion about variant significance. c.446C>A has been reported in the literature in a setting of multi-gene panel testing in at least one compound heterozygous individual affected with Autosomal Recessive Nonsyndromic Hearing Loss (e.g. Shearer_2014). These data do not currently provide sufficient evidence to allow any conclusion about variant significance. To our knowledge, no experimental evidence demonstrating an impact on protein function has been reported. The following publication has been ascertained in the context of this evaluation (PMID: 24963352). ClinVar contains an entry for this variant (Variation ID: 666889). Based on the evidence outlined above, the variant was classified as uncertain significance.

Laboratory for Molecular Medicine, Mass General Brigham Personalized Medicine
Classification: Uncertain significance. Last evaluated: 2018-05-18. Review status: criteria provided, single submitter. Criteria: LMM Criteria. Collection method: clinical testing. Allele origin: germline. Observed: 1 variant allele.
Comment: The p.Ala149Asp variant in OTOA has not been previously reported in individuals with hearing loss, but has been identified in 2/15304 of African chromosomes and 1/111668 European chromosomes by the Genome Aggregation Database (gnomAD; dbSNP rs113820086). Computational prediction tools and conservation analysis do not provide strong support for or against an impact to the protein. In summary, the clinical significance of the p.Ala149Asp varian t is uncertain. ACMG/AMP criteria applied: PM2.

Literature cited by the submitters: PubMed 24963352 (cited by Labcorp Genetics (formerly Invitae), Labcorp and Women's Health and Genetics/Laboratory Corporation of America, LabCorp).

NM_144672.4(OTOA):c.446C>A (p.Ala149Asp)

Gene: OTOA (otoancorin). Cytogenetic location: 16p12.2.
Variant type: single nucleotide variant.
Coding change: c.446C>A on transcript NM_144672.4 (MANE Select); coding-DNA position 446, C replaced by A.
Protein change: p.Ala149Asp; replaces alanine 149 with aspartic acid.
Molecular consequence: missense variant.
Genome position (GRCh38, 1-based): chr16:21,687,459, C>A. VCF-style: chr16-21687459-C-A. GRCh37 (hg19) VCF-style: chr16-21698780-C-A.
Other names: c.209C>A, p.Ala70Asp (NM_001161683.2); short protein forms A70D, A149D.
Identifiers: ClinVar variation 666889 (VCV000666889.8), dbSNP rs113820086, ClinGen allele CA7952310.
Genomic context (GRCh38, chr16:21,687,459, plus strand): 5'-TGTCATTGCTTTAGGACCTGAAAGACATCATCATCGACTTAGGAGAGATTCGAGAACGAG[C>A]CTTGCAGAGCCCTGGCGTGAACCGCAGCCTGTTTCTCATCACACTGGAGAGGTGTTTCCA-3'
Protein context (NP_653273.3, residues 139-159): IIDLGEIRER[Ala149Asp]LQSPGVNRSL